The following is an entry in ClinVar:

NM_001360.3(DHCR7):c.1234_1272delinsATCA (p.Leu412fs)

Gene: DHCR7 (7-dehydrocholesterol reductase; minus strand). Cytogenetic location: 11q13.4.
Variant type: Indel.
Coding change: c.1234_1272delinsATCA on transcript NM_001360.3 (MANE Select); coding-DNA positions 1234 to 1272, the reference bases replaced by ATCA.
Protein change: p.Leu412fs; shifts the reading frame from leucine 412.
Molecular consequence: frameshift variant. On other transcripts: 3 prime UTR variant (1), intron variant (3).
Genome position (GRCh38, 1-based): chr11:71,435,531-71,435,569, 39 bases replaced. GRCh37 (hg19): chr11:71,146,577-71,146,615.
Other names: c.1234_1272delinsATCA, p.Leu412fs (NM_001163817.2, NM_001425109.1, NM_001425110.1 and 1 more transcripts); c.1234_1272del39insATCA, p.Leu412Ilefs (NM_001360.2); c.1285_1323delinsATCA, p.Leu429fs (NM_001425107.1); c.1270_1308delinsATCA, p.Leu424fs (NM_001425108.1); c.1368_*35delinsATCA, p.Ter457SerextTer? (NM_001425112.1); c.1174_1212delinsATCA, p.Leu392fs (NM_001425113.1); c.1138_1176delinsATCA, p.Leu380fs (NM_001425114.1); c.1272_*35delinsATCA, p.Ter425SerextTer? (NM_001425116.1); and 5 more; short protein forms L354fs, L380fs, L392fs, L412fs, L424fs, L429fs.
Identifiers: ClinVar variation 4814809 (VCV004814809.1).

ClinVar aggregate classification (germline): Likely pathogenic (1 of 4 stars; one submission).

Conditions:
Smith-Lemli-Opitz syndrome (SLOS). Also called: LETHAL ACRODYSGENITAL SYNDROME; POLYDACTYLY, SEX REVERSAL, RENAL HYPOPLASIA, AND UNILOBAR LUNG; RSH SYNDROME; RUTLEDGE LETHAL MULTIPLE CONGENITAL ANOMALY SYNDROME; 7-Dehydrocholesterol reductase deficiency. Identifiers: Orphanet 818, MedGen C0175694, MONDO:0010035, OMIM 270400.

Submission:

Natera, Inc.
Classification: Likely pathogenic for Smith-Lemli-Opitz syndrome. Last evaluated: 2024-11-26. Review status: criteria provided, single submitter. Criteria: Natera Variant Classification Schema (03/2026). Collection method: clinical testing. Allele origin: germline.
Comment: The c.1234_1272delinsATCA variant in DHCR7 is a frameshift variant predicted to elongate the protein beyond the termination codon. This variant is expected to result in nonsense mediated decay, truncation, or a dysfunctional protein product. This variant is rare in the general population with a frequency below the threshold expected for the associated phenotype(s). Given the available evidence, this variant is classified as Likely Pathogenic.